The following is an entry in ClinVar:

NM_002661.5(PLCG2):c.157G>A (p.Ala53Thr)

Gene: PLCG2 (phospholipase C gamma 2; plus strand). Cytogenetic location: 16q23.3.
Variant type: single nucleotide variant.
Coding change: c.157G>A on transcript NM_002661.5 (MANE Select); coding-DNA position 157, G replaced by A.
Protein change: p.Ala53Thr; replaces alanine 53 with threonine.
Molecular consequence: missense variant.
Genome position (GRCh38, 1-based): chr16:81,786,146, G>A. VCF-style: chr16-81786146-G-A. GRCh37 (hg19) VCF-style: chr16-81819751-G-A.
Other names: short protein forms A53T.
Identifiers: ClinVar variation 871674 (VCV000871674.48), dbSNP rs532678378, ClinGen allele CA285164737.
Genomic context (GRCh38, chr16:81,786,146, plus strand): 5'-TTCCGCAAGTCCACCCCCGAGCGGAGAACCGTCCAGGTGATCATGGAGACGCGGCAGGTG[G>A]CCTGGAGCAAGACCGCTGACAAGATCGAGGGCTTCTGTGAGTACTCGCTGGGTGGGGCAG-3'
Protein context (NP_002652.2, residues 43-63): VQVIMETRQV[Ala53Thr]WSKTADKIEG

ClinVar aggregate classification (germline): Uncertain significance. Review status: criteria provided, multiple submitters, no conflicts (2 of 4 stars). 2 submissions from 2 submitters: Uncertain significance (2). Last evaluated 2025-07-31.

Conditions:
Familial cold autoinflammatory syndrome 3 (FCAS3). Also called: FAMILIAL ATYPICAL COLD URTICARIA; ANTIBODY DEFICIENCY AND IMMUNE DYSREGULATION, PLCG2-ASSOCIATED. Identifiers: Orphanet 300359, MedGen C3280914, MONDO:0013766, OMIM 614468.

Allele frequency attached by ClinVar (database versions not stated): gnomAD exomes 0.00001 and 0.00002; gnomAD 0.00002; TOPMed 0.00002.
gnomAD v4.1: 26 of 1,614,058 alleles (0.0016%); highest among the groups gnomAD compares: Non-Finnish European, 0.0019%; no homozygotes.

Submissions (2):

Labcorp Genetics (formerly Invitae), Labcorp
Classification: Uncertain significance for Familial cold autoinflammatory syndrome 3. Last evaluated: 2025-07-31. Review status: criteria provided, single submitter. Criteria: Invitae Variant Classification Sherloc (09022015). Collection method: clinical testing. Allele origin: germline.
Comment: This sequence change replaces alanine, which is neutral and non-polar, with threonine, which is neutral and polar, at codon 53 of the PLCG2 protein (p.Ala53Thr). This variant is present in population databases (rs532678378, gnomAD 0.004%). This variant has not been reported in the literature in individuals affected with PLCG2-related conditions. ClinVar contains an entry for this variant (Variation ID: 871674). An algorithm developed to predict the effect of missense changes on protein structure and function (PolyPhen-2) suggests that this variant is likely to be disruptive. In summary, the available evidence is currently insufficient to determine the role of this variant in disease. Therefore, it has been classified as a Variant of Uncertain Significance.

CeGaT Center for Human Genetics Tuebingen
Classification: Uncertain significance. Last evaluated: 2019-11-01. Review status: criteria provided, single submitter. Criteria: CeGaT Center For Human Genetics Tuebingen Variant Classification Criteria Version 2. Collection method: clinical testing. Allele origin: germline. Affected: yes. Observed: 1 variant allele.